The following is an entry in ClinVar:

NM_000165.5(GJA1):c.413G>A (p.Gly138Asp)

Gene: GJA1 (gap junction protein alpha 1; plus strand). Cytogenetic location: 6q22.31.
Variant type: single nucleotide variant.
Coding change: c.413G>A on transcript NM_000165.5 (MANE Select); coding-DNA position 413, G replaced by A.
Protein change: p.Gly138Asp; replaces glycine 138 with aspartic acid.
Molecular consequence: missense variant.
Genome position (GRCh38, 1-based): chr6:121,447,260, G>A. VCF-style: chr6-121447260-G-A. GRCh37 (hg19) VCF-style: chr6-121768406-G-A.
Other names: short protein forms G138D.
Identifiers: ClinVar variation 470216 (VCV000470216.14), dbSNP rs1554201019, ClinGen allele CA365558957.

ClinVar aggregate classification (germline): Pathogenic. Review status: criteria provided, multiple submitters, no conflicts (2 of 4 stars). 3 submissions from 3 submitters: Pathogenic (3). Last evaluated 2025-08-21.

Conditions:
Oculodentodigital dysplasia (ODDD). Also called: ODD SYNDROME; Oculodentodigital syndrome. Identifiers: Orphanet 2710, MedGen C0812437, MONDO:0008111, OMIM 164200.
Oculodentodigital dysplasia, autosomal recessive. Also called: OCULODENTOOSSEOUS DYSPLASIA, AUTOSOMAL RECESSIVE; ODDD, AUTOSOMAL RECESSIVE; ODOD, AUTOSOMAL RECESSIVE. Identifiers: Orphanet 2710, MedGen C2749477, MONDO:0009768, OMIM 257850.

Submissions (3):

Labcorp Genetics (formerly Invitae), Labcorp
Classification: Pathogenic for Oculodentodigital dysplasia, autosomal recessive. Last evaluated: 2025-08-21. Review status: criteria provided, single submitter. Criteria: Invitae Variant Classification Sherloc (09022015). Collection method: clinical testing. Allele origin: germline.
Comment: This sequence change replaces glycine, which is neutral and non-polar, with aspartic acid, which is acidic and polar, at codon 138 of the GJA1 protein (p.Gly138Asp). This variant is not present in population databases (gnomAD no frequency). This missense change has been observed in individuals with autosomal dominant oculodentodigital dysplasia (PMID: 18946008; internal data). ClinVar contains an entry for this variant (Variation ID: 470216). Invitae Evidence Modeling of protein sequence and biophysical properties (such as structural, functional, and spatial information, amino acid conservation, physicochemical variation, residue mobility, and thermodynamic stability) indicates that this missense variant is expected to disrupt GJA1 protein function with a positive predictive value of 95%. This variant disrupts the p.Gly138 amino acid residue in GJA1. Other variant(s) that disrupt this residue have been determined to be pathogenic (PMID: 12457340, 18003637, 18946008, 25388818, 27226478). This suggests that this residue is clinically significant, and that variants that disrupt this residue are likely to be disease-causing. For these reasons, this variant has been classified as Pathogenic.

Institute of Human Genetics Munich, TUM University Hospital
Classification: Pathogenic for Oculodentodigital dysplasia. Last evaluated: 2024-03-07. Review status: criteria provided, single submitter. Criteria: Classification criteria August 2017. Collection method: clinical testing. Allele origin: germline. Inheritance: Autosomal dominant inheritance. Affected: yes. Observed: 1 variant allele.

MyeliNeuroGene Lab, McGill University Health Center Research Institute
Classification: Pathogenic for Oculodentodigital dysplasia. Last evaluated: 2022-09-01. Review status: criteria provided, single submitter. Criteria: ACMG Guidelines, 2015. Collection method: research. Allele origin: inherited. Inheritance: Autosomal dominant inheritance. Affected: yes. Observed: 1 variant allele, 1 heterozygote.

Literature cited by the submitters: PubMed 18946008 (cited by Labcorp Genetics (formerly Invitae), Labcorp); PubMed 12457340 (cited by Labcorp Genetics (formerly Invitae), Labcorp); PubMed 18003637 (cited by Labcorp Genetics (formerly Invitae), Labcorp); PubMed 25388818 (cited by Labcorp Genetics (formerly Invitae), Labcorp); PubMed 27226478 (cited by Labcorp Genetics (formerly Invitae), Labcorp).